The following is an entry in ClinVar:

NM_144596.4(TTC8):c.1417A>G (p.Thr473Ala)

Gene: TTC8 (tetratricopeptide repeat domain 8; plus strand). Cytogenetic location: 14q31.3.
Variant type: single nucleotide variant.
Coding change: c.1417A>G on transcript NM_144596.4 (MANE Select); coding-DNA position 1417, A replaced by G.
Protein change: p.Thr473Ala; replaces threonine 473 with alanine.
Molecular consequence: missense variant. On other transcripts: non-coding transcript variant (1), intron variant (2).
Genome position (GRCh38, 1-based): chr14:88,875,095, A>G. VCF-style: chr14-88875095-A-G. GRCh37 (hg19) VCF-style: chr14-89341439-A-G.
Other names: c.1465A>G, p.Thr489Ala (NM_001288781.1); c.823A>G, p.Thr275Ala (NM_001288782.1); c.700A>G, p.Thr234Ala (NM_001288783.1); c.1387A>G, p.Thr463Ala (NM_198309.3); c.1297A>G, p.Thr433Ala (NM_198310.3); c.1318-2199A>G (NM_001366535.2); c.1228-2199A>G (NM_001366536.2); c.1417A>G (NM_144596.3); short protein forms T473A, T463A, T234A, T489A, T275A, T433A.
Identifiers: ClinVar variation 314803 (VCV000314803.54), dbSNP rs376411291, ClinGen allele CA7302751.

ClinVar aggregate classification (germline): Conflicting classifications of pathogenicity. Review status: criteria provided, conflicting classifications (1 of 4 stars). 7 submissions from 6 submitters: Uncertain significance (5); Likely benign (2). Last evaluated 2026-07-01.

Conditions:
Inborn genetic diseases. Identifiers: MedGen C0950123, MeSH D030342.
Bardet-Biedl syndrome 8 (BBS8). Identifiers: Orphanet 110, MedGen C1859566, MONDO:0014436, OMIM 615985.
TTC8-related disorder. Also called: TTC8-related condition.
Bardet-Biedl syndrome (BBS). Identifiers: Orphanet 110, MedGen C0752166, MONDO:0015229.
Retinitis pigmentosa (RP). Identifiers: Orphanet 791, MedGen C0035334, MeSH D012174, MONDO:0019200, OMIM 268000. Inheritance: Autosomal dominant, autosomal recessive and X linked inheritance.

Allele frequency attached by ClinVar (database versions not stated): ExAC 0.00009; gnomAD exomes 0.00010 and 0.00015; TOPMed 0.00020; gnomAD 0.00021; ESP Exome Variant Server 0.00023.
gnomAD v4.1: 169 of 1,611,764 alleles (0.01%); highest among the groups gnomAD compares: Admixed American, 0.062%; 1 homozygote.

Submissions (7):

CeGaT Center for Human Genetics Tuebingen
Classification: Likely benign. Last evaluated: 2026-07-01. Review status: criteria provided, single submitter. Criteria: CeGaT Center For Human Genetics Tuebingen Variant Classification Criteria Version 2. Collection method: clinical testing. Allele origin: germline. Affected: yes. Observed: 4 variant alleles.
Comment: TTC8: BP4

PreventionGenetics, part of Exact Sciences
Classification: Uncertain significance for TTC8-related condition. Last evaluated: 2026-05-11. Review status: criteria provided, single submitter. Criteria: ACMG Guidelines, 2015. Collection method: clinical testing. Allele origin: germline.
Comment: The TTC8 c.1417A>G variant is predicted to result in the amino acid substitution p.Thr473Ala. To our knowledge, this variant has not been reported in the literature. This variant is reported in 0.049% of alleles in individuals of Latino descent in gnomAD. At this time, the clinical significance of this variant is uncertain due to the absence of conclusive functional and genetic evidence.

Labcorp Genetics (formerly Invitae), Labcorp
Classification: Uncertain significance for Bardet-Biedl syndrome. Last evaluated: 2026-01-26. Review status: criteria provided, single submitter. Criteria: Invitae Variant Classification Sherloc (09022015). Collection method: clinical testing. Allele origin: germline.
Comment: This sequence change replaces threonine, which is neutral and polar, with alanine, which is neutral and non-polar, at codon 463 of the TTC8 protein (p.Thr463Ala). This variant is present in population databases (rs376411291, gnomAD 0.05%). This variant has not been reported in the literature in individuals affected with TTC8-related conditions. ClinVar contains an entry for this variant (Variation ID: 314803). Invitae Evidence Modeling of protein sequence and biophysical properties (such as structural, functional, and spatial information, amino acid conservation, physicochemical variation, residue mobility, and thermodynamic stability) indicates that this missense variant is not expected to disrupt TTC8 protein function with a negative predictive value of 80%. In summary, the available evidence is currently insufficient to determine the role of this variant in disease. Therefore, it has been classified as a Variant of Uncertain Significance.

Blueprint Genetics
Classification: Likely benign. Last evaluated: 2024-02-19. Review status: criteria provided, single submitter. Criteria: ACMG Guidelines, 2015. Collection method: clinical testing. Allele origin: germline.

Ambry Genetics
Classification: Uncertain significance for Inborn genetic diseases. Last evaluated: 2021-04-01. Review status: criteria provided, single submitter. Criteria: Ambry Variant Classification Scheme 2023. Collection method: clinical testing. Allele origin: germline.

Illumina Laboratory Services, Illumina
Classification: Uncertain significance for Bardet-Biedl syndrome 8. Last evaluated: 2018-01-13. Review status: criteria provided, single submitter. Criteria: ICSL Variant Classification Criteria 13 December 2019. Collection method: clinical testing. Allele origin: germline.

Illumina Laboratory Services, Illumina
Classification: Uncertain significance for Retinitis pigmentosa. Last evaluated: 2018-01-13. Review status: criteria provided, single submitter. Criteria: ICSL Variant Classification Criteria 13 December 2019. Collection method: clinical testing. Allele origin: germline.